The following is an entry in ClinVar:

ClinVar aggregate classification (germline): Likely benign. Review status: criteria provided, single submitter (1 of 4 stars). 2 submissions from 2 submitters: Likely benign (1). 1 of the submissions does not count toward it. Last evaluated 2022-11-08.

Conditions:
SPEG-related disorder. Also called: SPEG-related condition.

gnomAD v4.1: 25 of 1,614,038 alleles (0.0015%); highest among the groups gnomAD compares: Non-Finnish European, 0.0021%; no homozygotes.

Submissions (2):

Labcorp Genetics (formerly Invitae), Labcorp
Classification: Likely benign. Last evaluated: 2022-11-08. Review status: criteria provided, single submitter. Criteria: Invitae Variant Classification Sherloc (09022015). Collection method: clinical testing. Allele origin: germline.

PreventionGenetics, part of Exact Sciences
Classification: Likely benign for SPEG-related condition. Last evaluated: 2019-08-29. Review status: no assertion criteria provided. Collection method: clinical testing. Allele origin: germline. Not counted in ClinVar's aggregate classification.
Comment: This variant is classified as likely benign based on ACMG/AMP sequence variant interpretation guidelines (Richards et al. 2015 PMID: 25741868, with internal and published modifications).

NM_005876.5(SPEG):c.8700G>A (p.Val2900=)

Genes: ASIC4-AS1 (ASIC4 antisense RNA 1; minus strand), SPEG (striated muscle enriched protein kinase; plus strand). Cytogenetic location: 2q35.
Variant type: single nucleotide variant.
Coding change: c.8700G>A on transcript NM_005876.5 (MANE Select); coding-DNA position 8700, G replaced by A.
Protein change: p.Val2900=; no amino-acid change (valine 2900 retained).
Molecular consequence: synonymous variant.
Genome position (GRCh38, 1-based): chr2:219,489,718, G>A. VCF-style: chr2-219489718-G-A. GRCh37 (hg19) VCF-style: chr2-220354440-G-A.
Other names: c.8700G>A (NM_005876.4).
Identifiers: ClinVar variation 1935124 (VCV001935124.7), dbSNP rs769246329, ClinGen allele CA431431910.